The following is an entry in ClinVar:

ClinVar aggregate classification (germline): Uncertain significance (1 of 4 stars; one submission).

Submission:

Labcorp Genetics (formerly Invitae), Labcorp
Classification: Uncertain significance. Last evaluated: 2023-03-17. Review status: criteria provided, single submitter. Criteria: Invitae Variant Classification Sherloc (09022015). Collection method: clinical testing. Allele origin: germline.
Comment: In summary, the available evidence is currently insufficient to determine the role of this variant in disease. Therefore, it has been classified as a Variant of Uncertain Significance. Advanced modeling of protein sequence and biophysical properties (such as structural, functional, and spatial information, amino acid conservation, physicochemical variation, residue mobility, and thermodynamic stability) has been performed at Invitae for this missense variant, however the output from this modeling did not meet the statistical confidence thresholds required to predict the impact of this variant on EBP protein function. ClinVar contains an entry for this variant (Variation ID: 1494536). This variant has not been reported in the literature in individuals affected with EBP-related conditions. This variant is not present in population databases (gnomAD no frequency). This sequence change replaces leucine, which is neutral and non-polar, with isoleucine, which is neutral and non-polar, at codon 85 of the EBP protein (p.Leu85Ile).

NM_006579.3(EBP):c.253C>A (p.Leu85Ile)

Gene: EBP (EBP cholestenol delta-isomerase; plus strand). Cytogenetic location: Xp11.23.
Variant type: single nucleotide variant.
Coding change: c.253C>A on transcript NM_006579.3 (MANE Select); coding-DNA position 253, C replaced by A.
Protein change: p.Leu85Ile; replaces leucine 85 with isoleucine.
Molecular consequence: missense variant.
Genome position (GRCh38, 1-based): chrX:48,524,024, C>A. VCF-style: chrX-48524024-C-A. GRCh37 (hg19) VCF-style: chrX-48382412-C-A.
Other names: short protein forms L85I.
Identifiers: ClinVar variation 1494536 (VCV001494536.6), dbSNP rs2147154732, ClinGen allele CA412851753.